The following is an entry in ClinVar:

ClinVar aggregate classification (germline): Uncertain significance (1 of 4 stars; one submission).

Submission:

Quest Diagnostics Nichols Institute San Juan Capistrano
Classification: Uncertain significance. Last evaluated: 2024-11-12. Review status: criteria provided, single submitter. Criteria: Quest Diagnostics criteria. Collection method: clinical testing. Allele origin: unknown.
Comment: The NF1 c.8006A>T (p.Tyr2669Phe) variant has not been reported in individuals with NF1-related conditions in the published literature. It also has not been reported in large, multi-ethnic general populations (Genome Aggregation Database). Analysis of this variant using bioinformatics tools for the prediction of the effect of amino acid changes on protein structure and function yielded predictions that this variant is damaging. Based on the available information, we are unable to determine the clinical significance of this variant.

NM_001042492.3(NF1):c.8069A>T (p.Tyr2690Phe)

Gene: NF1 (neurofibromin 1; plus strand). Cytogenetic location: 17q11.2.
Variant type: single nucleotide variant.
Coding change: c.8069A>T on transcript NM_001042492.3 (MANE Select); coding-DNA position 8069, A replaced by T.
Protein change: p.Tyr2690Phe; replaces tyrosine 2690 with phenylalanine.
Molecular consequence: missense variant.
Genome position (GRCh38, 1-based): chr17:31,358,578, A>T. VCF-style: chr17-31358578-A-T. GRCh37 (hg19) VCF-style: chr17-29685596-A-T.
Other names: c.8006A>T, p.Tyr2669Phe (NM_000267.4); short protein forms Y2690F, Y2669F.
Identifiers: ClinVar variation 3572046 (VCV003572046.1).